The following is an entry in ClinVar:

ClinVar aggregate classification (germline): Uncertain significance (1 of 4 stars; one submission).

Conditions:
Familial thoracic aortic aneurysm and aortic dissection (TAAD). Also called: Thoracic aortic aneurysms and dissections. Identifiers: Orphanet 91387, MedGen C4707243, MONDO:0019625.
Hereditary cancer-predisposing syndrome. Also called: Neoplastic Syndromes, Hereditary; Tumor predisposition; Hereditary Cancer Syndrome; Hereditary neoplastic syndrome. Identifiers: Orphanet 140162, MedGen C0027672, MeSH D009386, MONDO:0015356.

Submission:

Ambry Genetics
Classification: Uncertain significance for Hereditary cancer-predisposing syndrome; Familial thoracic aortic aneurysm and aortic dissection. Last evaluated: 2026-05-13. Review status: criteria provided, single submitter. Criteria: Ambry Variant Classification Scheme 2023. Collection method: clinical testing. Allele origin: germline.
Comment: The p.V112I variant (also known as c.334G>A), located in coding exon 2 of the SMAD4 gene, results from a G to A substitution at nucleotide position 334. The valine at codon 112 is replaced by isoleucine, an amino acid with highly similar properties. This amino acid position is highly conserved in available vertebrate species. In addition, this alteration is predicted to be tolerated by in silico analysis. Based on the available evidence, the clinical significance of this variant remains unclear.

NM_005359.6(SMAD4):c.334G>A (p.Val112Ile)

Gene: SMAD4 (SMAD family member 4; plus strand). Cytogenetic location: 18q21.2.
Variant type: single nucleotide variant.
Coding change: c.334G>A on transcript NM_005359.6 (MANE Select); coding-DNA position 334, G replaced by A.
Protein change: p.Val112Ile; replaces valine 112 with isoleucine.
Molecular consequence: missense variant. On other transcripts: non-coding transcript variant (2).
Genome position (GRCh38, 1-based): chr18:51,048,770, G>A. VCF-style: chr18-51048770-G-A. GRCh37 (hg19) VCF-style: chr18-48575140-G-A.
Other names: c.334G>A, p.Val112Ile (NM_001407041.1, NM_001407042.1, NM_001407043.1); short protein forms V112I.
Identifiers: ClinVar variation 4864688 (VCV004864688.1).
Genomic context (GRCh38, chr18:51,048,770, plus strand): 5'-CATGTGATCTATGCCCGTCTCTGGAGGTGGCCTGATCTTCACAAAAATGAACTAAAACAT[G>A]TTAAATATTGTCAGTATGCGTTTGACTTAAAATGTGATAGTGTCTGTGTGAATCCATATC-3'
Protein context (NP_005350.1, residues 102-122): PDLHKNELKH[Val112Ile]KYCQYAFDLK